The following is an entry in ClinVar:

NM_000414.4(HSD17B4):c.1067A>G (p.Lys356Arg)

Gene: HSD17B4 (hydroxysteroid 17-beta dehydrogenase 4; plus strand). Cytogenetic location: 5q23.1.
Variant type: single nucleotide variant.
Coding change: c.1067A>G on transcript NM_000414.4 (MANE Select); coding-DNA position 1067, A replaced by G.
Protein change: p.Lys356Arg; replaces lysine 356 with arginine.
Molecular consequence: missense variant. On other transcripts: non-coding transcript variant (2).
Genome position (GRCh38, 1-based): chr5:119,499,411, A>G. VCF-style: chr5-119499411-A-G. GRCh37 (hg19) VCF-style: chr5-118835106-A-G.
Other names: c.1142A>G, p.Lys381Arg (NM_001199291.3); c.1013A>G, p.Lys338Arg (NM_001199292.2); c.995A>G, p.Lys332Arg (NM_001292027.2); c.647A>G, p.Lys216Arg (NM_001292028.2); c.1058A>G, p.Lys353Arg (NM_001374497.1); c.1067A>G, p.Lys356Arg (NM_001374498.1); c.740A>G, p.Lys247Arg (NM_001374499.1); c.626A>G, p.Lys209Arg (NM_001374500.1); and 1 more; short protein forms K216R, K338R, K353R, K219R, K247R, K381R, K209R, K332R.
Identifiers: ClinVar variation 2174276 (VCV002174276.1), dbSNP rs750393834, ClinGen allele CA3382080.

ClinVar aggregate classification (germline): Uncertain significance (1 of 4 stars; one submission).

Conditions:
Perrault syndrome. Also called: Gonadal dysgenesis with auditory dysfunction, autosomal recessive inheritance. Identifiers: Orphanet 2855, MedGen C0685838, MONDO:0017312.
Bifunctional peroxisomal enzyme deficiency (DBIF). Also called: PBFE DEFICIENCY; D-bifunctional protein deficiency; DBP DEFICIENCY. Identifiers: Orphanet 300, MedGen C0342870, MONDO:0009855, OMIM 261515. Disease mechanism: loss of function.

Allele frequency attached by ClinVar (database versions not stated): ExAC 0.00001; gnomAD exomes 0.00001.
gnomAD v4.1: 3 of 1,613,678 alleles (0.00019%); highest among the groups gnomAD compares: Admixed American, 0.005%; no homozygotes.

Submission:

Labcorp Genetics (formerly Invitae), Labcorp
Classification: Uncertain significance for Perrault syndrome; Bifunctional peroxisomal enzyme deficiency. Last evaluated: 2022-06-22. Review status: criteria provided, single submitter. Criteria: Invitae Variant Classification Sherloc (09022015). Collection method: clinical testing. Allele origin: germline.
Comment: This sequence change replaces lysine, which is basic and polar, with arginine, which is basic and polar, at codon 356 of the HSD17B4 protein (p.Lys356Arg). This variant is present in population databases (rs750393834, gnomAD 0.006%). This variant has not been reported in the literature in individuals affected with HSD17B4-related conditions. Advanced modeling of protein sequence and biophysical properties (such as structural, functional, and spatial information, amino acid conservation, physicochemical variation, residue mobility, and thermodynamic stability) performed at Invitae indicates that this missense variant is not expected to disrupt HSD17B4 protein function. In summary, the available evidence is currently insufficient to determine the role of this variant in disease. Therefore, it has been classified as a Variant of Uncertain Significance.